The following is an entry in ClinVar:

ClinVar aggregate classification (germline): Conflicting classifications of pathogenicity. Review status: criteria provided, conflicting classifications (1 of 4 stars). 3 submissions from 3 submitters: Uncertain significance (1); Likely benign (2). Last evaluated 2025-04-08.

Conditions:
Hereditary cancer-predisposing syndrome. Also called: Hereditary Cancer Syndrome; Hereditary neoplastic syndrome; Neoplastic Syndromes, Hereditary; Tumor predisposition. Identifiers: Orphanet 140162, MedGen C0027672, MeSH D009386, MONDO:0015356.
DICER1-related tumor predisposition. Also called: DICER1-related pleuropulmonary blastoma cancer predisposition syndrome; DICER1 syndrome. Identifiers: Orphanet 284343, MedGen C3839822, MONDO:0100216.

gnomAD v4.1: 1 of 1,613,852 alleles (0.000062%); highest among the groups gnomAD compares: Non-Finnish European, 0.000085%; no homozygotes.

Submissions (3):

Quest Diagnostics Nichols Institute San Juan Capistrano
Classification: Uncertain significance. Last evaluated: 2025-04-08. Review status: criteria provided, single submitter. Criteria: Quest Diagnostics criteria. Collection method: clinical testing. Allele origin: unknown.
Comment: The DICER1 c.2022T>G (p.Pro674=) synonymous variant has not been reported in individuals with DICER1-related conditions in the published literature. It also has not been reported in large, multi-ethnic general populations (Genome Aggregation Database). Analysis of this variant using software algorithms for the prediction of the effect of nucleotide changes on splicing yielded predictions that this variant does not affect DICER1 mRNA splicing. Based on the available information, we are unable to determine the clinical significance of this variant.

Ambry Genetics
Classification: Likely benign for Hereditary cancer-predisposing syndrome. Last evaluated: 2024-10-30. Review status: criteria provided, single submitter. Criteria: Ambry Variant Classification Scheme 2023. Collection method: clinical testing. Allele origin: germline.

Labcorp Genetics (formerly Invitae), Labcorp
Classification: Likely benign for DICER1-related tumor predisposition. Last evaluated: 2024-04-24. Review status: criteria provided, single submitter. Criteria: Invitae Variant Classification Sherloc (09022015). Collection method: clinical testing. Allele origin: germline.

NM_177438.3(DICER1):c.2022T>G (p.Pro674=)

Gene: DICER1 (dicer 1, ribonuclease III; minus strand). Cytogenetic location: 14q32.13.
Variant type: single nucleotide variant.
Coding change: c.2022T>G on transcript NM_177438.3 (MANE Select); coding-DNA position 2022, T replaced by G.
Protein change: p.Pro674=; no amino-acid change (proline 674 retained).
Molecular consequence: synonymous variant. On other transcripts: non-coding transcript variant (6).
Genome position (GRCh38, 1-based): chr14:95,113,110, A>C on the plus strand (T>G on the coding strand, the complement: DICER1 is on the minus strand). VCF-style: chr14-95113110-A-C. GRCh37 (hg19) VCF-style: chr14-95579447-A-C.
Other names: c.2022T>G, p.Pro674= (NM_001195573.1, NM_001271282.3, NM_001291628.2 and 12 more transcripts); c.1740T>G, p.Pro580= (NM_001395686.1); c.1617T>G, p.Pro539= (NM_001395687.1, NM_001395688.1, NM_001395689.1 and 3 more transcripts); c.1455T>G, p.Pro485= (NM_001395691.1); c.339T>G, p.Pro113= (NM_001395697.1).
Identifiers: ClinVar variation 3501940 (VCV003501940.4).